The following is an entry in ClinVar:

ClinVar aggregate classification (germline): Uncertain significance. Review status: criteria provided, multiple submitters, no conflicts (2 of 4 stars). 5 submissions from 5 submitters: Uncertain significance (5). Last evaluated 2025-06-11.

Conditions:
Aortic aneurysm, familial thoracic 4 (AAT4). Also called: AORTIC ANEURYSM/AORTIC DISSECTION AND PATENT DUCTUS ARTERIOSUS. Identifiers: MedGen C1851504, MONDO:0007568, OMIM 132900.
Visceral myopathy 2. Identifiers: MedGen C5543466, MONDO:0859157, OMIM 619350.
Megacystis-microcolon-intestinal hypoperistalsis syndrome 2. Identifiers: MedGen C5543476, MONDO:0025708, OMIM 619351.
Familial thoracic aortic aneurysm and aortic dissection (TAAD). Also called: Thoracic aortic aneurysms and dissections. Identifiers: Orphanet 91387, MedGen C4707243, MONDO:0019625.

Allele frequency attached by ClinVar (database versions not stated): gnomAD exomes below 0.00001; TOPMed 0.00002; gnomAD 0.00003.
gnomAD v4.1: 7 of 1,614,054 alleles (0.00043%); highest among the groups gnomAD compares: Non-Finnish European, 0.00059%; no homozygotes.

Submissions (5):

Labcorp Genetics (formerly Invitae), Labcorp
Classification: Uncertain significance for Aortic aneurysm, familial thoracic 4. Last evaluated: 2025-06-11. Review status: criteria provided, single submitter. Criteria: Invitae Variant Classification Sherloc (09022015). Collection method: clinical testing. Allele origin: germline.
Comment: This sequence change replaces aspartic acid, which is acidic and polar, with asparagine, which is neutral and polar, at codon 1442 of the MYH11 protein (p.Asp1442Asn). This variant is present in population databases (rs794728668, gnomAD 0.002%). This missense change has been observed in individual(s) with thoracic aortic aneurysm and/or dissection (internal data). ClinVar contains an entry for this variant (Variation ID: 201074). Invitae Evidence Modeling of protein sequence and biophysical properties (such as structural, functional, and spatial information, amino acid conservation, physicochemical variation, residue mobility, and thermodynamic stability) indicates that this missense variant is not expected to disrupt MYH11 protein function with a negative predictive value of 95%. In summary, the available evidence is currently insufficient to determine the role of this variant in disease. Therefore, it has been classified as a Variant of Uncertain Significance.

Ambry Genetics
Classification: Uncertain significance for Familial thoracic aortic aneurysm and aortic dissection. Last evaluated: 2025-05-05. Review status: criteria provided, single submitter. Criteria: Ambry Variant Classification Scheme 2023. Collection method: clinical testing. Allele origin: germline.
Comment: The p.D1435N variant (also known as c.4303G>A), located in coding exon 30 of the MYH11 gene, results from a G to A substitution at nucleotide position 4303. The aspartic acid at codon 1435 is replaced by asparagine, an amino acid with highly similar properties. This amino acid position is highly conserved in available vertebrate species. In addition, this alteration is predicted to be tolerated by in silico analysis. Since supporting evidence is limited at this time, the clinical significance of this alteration remains unclear.

Color Diagnostics, LLC DBA Color Health
Classification: Uncertain significance for Familial thoracic aortic aneurysm and aortic dissection. Last evaluated: 2024-03-06. Review status: criteria provided, single submitter. Criteria: ACMG Guidelines, 2015. Collection method: clinical testing. Allele origin: germline.
Comment: This missense variant replaces aspartic acid with asparagine at codon 1442 of the MYH11 protein. Computational prediction is inconclusive regarding the impact of this variant on protein structure and function (internally defined REVEL score threshold 0.5 < inconclusive < 0.7, PMID: 27666373). To our knowledge, functional studies have not been reported for this variant. This variant has not been reported in individuals affected with MYH11-related disorders in the literature. This variant has been identified in 2/282896 chromosomes in the general population by the Genome Aggregation Database (gnomAD). The available evidence is insufficient to determine the role of this variant in disease conclusively. Therefore, this variant is classified as a Variant of Uncertain Significance.

Fulgent Genetics
Classification: Uncertain significance for Aortic aneurysm, familial thoracic 4; Visceral myopathy 2; Megacystis-microcolon-intestinal hypoperistalsis syndrome 2. Last evaluated: 2021-11-11. Review status: criteria provided, single submitter. Criteria: ACMG Guidelines, 2015. Collection method: clinical testing. Allele origin: unknown.

GeneDx
Classification: Uncertain significance. Last evaluated: 2019-12-11. Review status: criteria provided, single submitter. Criteria: GeneDx Variant Classification Process June 2021. Collection method: clinical testing. Allele origin: germline. Affected: yes.
Comment: Not observed at a significant frequency in large population cohorts (Lek et al., 2016); Has not been previously published as pathogenic or benign to our knowledge

NM_002474.3(MYH11):c.4303G>A (p.Asp1435Asn)

Genes: NDE1 (nudE neurodevelopment protein 1; plus strand), MYH11 (myosin heavy chain 11; minus strand). Cytogenetic location: 16p13.11.
Variant type: single nucleotide variant.
Coding change: c.4303G>A on transcript NM_002474.3 (MANE Select); coding-DNA position 4303, G replaced by A.
Protein change: p.Asp1435Asn; replaces aspartic acid 1435 with asparagine.
Molecular consequence: missense variant.
Genome position (GRCh38, 1-based): chr16:15,724,223, C>T on the plus strand (G>A on the coding strand, the complement: MYH11 is on the minus strand). VCF-style: chr16-15724223-C-T. GRCh37 (hg19) VCF-style: chr16-15818080-C-T.
Other names: p.D1435N:GAT>AAT; c.4324G>A, p.Asp1442Asn (NM_001040113.2, NM_001040114.2); c.4303G>A, p.Asp1435Asn (NM_022844.3); c.980C>T, p.Ser327Leu (NM_001143979.2, NM_017668.3); short protein forms D1435N, D1442N, S327L.
Identifiers: ClinVar variation 201074 (VCV000201074.15), dbSNP rs794728668, ClinGen allele CA306564.